The following is an entry in ClinVar:

NM_182961.4(SYNE1):c.4729G>C (p.Val1577Leu)

Gene: SYNE1 (spectrin repeat containing nuclear envelope protein 1; minus strand). Cytogenetic location: 6q25.2.
Variant type: single nucleotide variant.
Coding change: c.4729G>C on transcript NM_182961.4 (MANE Select); coding-DNA position 4729, G replaced by C.
Protein change: p.Val1577Leu; replaces valine 1577 with leucine.
Molecular consequence: missense variant.
Genome position (GRCh38, 1-based): chr6:152,430,171, C>G on the plus strand (G>C on the coding strand, the complement: SYNE1 is on the minus strand). VCF-style: chr6-152430171-C-G. GRCh37 (hg19) VCF-style: chr6-152751306-C-G.
Other names: c.4750G>C, p.Val1584Leu (NM_033071.5); short protein forms V1577L, V1584L.
Identifiers: ClinVar variation 850273 (VCV000850273.7), dbSNP rs2098415660, ClinGen allele CA366141465.

ClinVar aggregate classification (germline): Uncertain significance (1 of 4 stars; one submission).

Conditions:
Emery-Dreifuss muscular dystrophy 4, autosomal dominant (EDMD4). Also called: EMERY-DREIFUSS MUSCULAR DYSTROPHY 4 WITH VARIABLE FEATURES. Identifiers: Orphanet 261, MedGen C2751807, MONDO:0013071, OMIM 612998.
Autosomal recessive ataxia, Beauce type. Also called: ATAXIA, RECESSIVE, OF BEAUCE; SYNE1 Deficiency; Spinocerebellar ataxia, autosomal recessive 8; SYNE1-Related Autosomal Recessive Cerebellar Ataxia. Identifiers: Orphanet 88644, MedGen C1853116, MONDO:0012549, OMIM 610743.

gnomAD v4.1: 1 of 1,605,170 alleles (0.000062%); no homozygotes.

Submission:

Labcorp Genetics (formerly Invitae), Labcorp
Classification: Uncertain significance for Emery-Dreifuss muscular dystrophy 4, autosomal dominant; Autosomal recessive ataxia, Beauce type. Last evaluated: 2025-08-15. Review status: criteria provided, single submitter. Criteria: Invitae Variant Classification Sherloc (09022015). Collection method: clinical testing. Allele origin: germline.
Comment: This sequence change replaces valine, which is neutral and non-polar, with leucine, which is neutral and non-polar, at codon 1584 of the SYNE1 protein (p.Val1584Leu). This variant is not present in population databases (gnomAD no frequency). This variant has not been reported in the literature in individuals affected with SYNE1-related conditions. ClinVar contains an entry for this variant (Variation ID: 850273). An algorithm developed to predict the effect of missense changes on protein structure and function (PolyPhen-2) suggests that this variant is likely to be tolerated. In summary, the available evidence is currently insufficient to determine the role of this variant in disease. Therefore, it has been classified as a Variant of Uncertain Significance.